The following is an entry in ClinVar:

NM_017946.4(FKBP14):c.357T>G (p.Ile119Met)

Genes: FKBP14 (FKBP prolyl isomerase 14; minus strand), FKBP14-AS1 (FKBP14 antisense RNA 1; plus strand). Cytogenetic location: 7p14.3.
Variant type: single nucleotide variant.
Coding change: c.357T>G on transcript NM_017946.4 (MANE Select); coding-DNA position 357, T replaced by G.
Protein change: p.Ile119Met; replaces isoleucine 119 with methionine.
Molecular consequence: missense variant. On other transcripts: non-coding transcript variant (2).
Genome position (GRCh38, 1-based): chr7:30,019,116, A>C on the plus strand (T>G on the coding strand, the complement: FKBP14 is on the minus strand). VCF-style: chr7-30019116-A-C. GRCh37 (hg19) VCF-style: chr7-30058732-A-C.
Other names: p.Ile119Met; short protein forms I119M.
Identifiers: ClinVar variation 426476 (VCV000426476.17), dbSNP rs202182643, ClinGen allele CA4203420.

ClinVar aggregate classification (germline): Uncertain significance. Review status: criteria provided, multiple submitters, no conflicts (2 of 4 stars). 7 submissions from 7 submitters: Uncertain significance (7). Last evaluated 2025-08-21.

Conditions:
Cardiovascular phenotype. Identifiers: MedGen CN230736.
Ehlers-Danlos syndrome, kyphoscoliotic type, 2. Also called: FKBP14-Kyphoscoliotic Ehlers-Danlos Syndrome; Ehlers-Danlos syndrome with progressive kyphoscoliosis, myopathy, and hearing loss; Ehlers-Danlos syndrome, kyphoscoliotic and deafness type. Identifiers: Orphanet 300179, MedGen C3281160, MONDO:0013800, OMIM 614557.
Hypotonia. Also called: Muscular hypotonia; poor muscle tone. Identifiers: MedGen C0026827, HP:0001252.

Allele frequency attached by ClinVar (database versions not stated): ExAC 0.00002; gnomAD exomes 0.00002; gnomAD 0.00009 and 0.00010; TOPMed 0.00017; 1000 Genomes Project 30x 0.00031; 1000 Genomes Project 0.00040.
gnomAD v4.1: 53 of 1,570,308 alleles (0.0034%); highest among the groups gnomAD compares: Middle Eastern, 0.084%; no homozygotes.

Submissions (7):

Ambry Genetics
Classification: Uncertain significance for Cardiovascular phenotype. Last evaluated: 2025-08-21. Review status: criteria provided, single submitter. Criteria: Ambry Variant Classification Scheme 2023. Collection method: clinical testing. Allele origin: germline.

Blueprint Genetics
Classification: Uncertain significance. Last evaluated: 2023-11-16. Review status: criteria provided, single submitter. Criteria: ACMG Guidelines, 2015. Collection method: clinical testing. Allele origin: germline.

GeneDx
Classification: Uncertain significance. Last evaluated: 2023-09-13. Review status: criteria provided, single submitter. Criteria: GeneDx Variant Classification Process June 2021. Collection method: clinical testing. Allele origin: germline. Affected: yes.
Comment: Not observed at significant frequency in large population cohorts (gnomAD); In silico analysis supports that this missense variant has a deleterious effect on protein structure/function; Has not been previously published as pathogenic or benign to our knowledge

Labcorp Genetics (formerly Invitae), Labcorp
Classification: Uncertain significance for Ehlers-Danlos syndrome, kyphoscoliotic type, 2. Last evaluated: 2022-10-13. Review status: criteria provided, single submitter. Criteria: Invitae Variant Classification Sherloc (09022015). Collection method: clinical testing. Allele origin: germline.
Comment: This sequence change replaces isoleucine, which is neutral and non-polar, with methionine, which is neutral and non-polar, at codon 119 of the FKBP14 protein (p.Ile119Met). This variant is present in population databases (rs202182643, gnomAD 0.009%). This variant has not been reported in the literature in individuals affected with FKBP14-related conditions. ClinVar contains an entry for this variant (Variation ID: 426476). Algorithms developed to predict the effect of missense changes on protein structure and function are either unavailable or do not agree on the potential impact of this missense change (SIFT: "Deleterious"; PolyPhen-2: "Probably Damaging"; Align-GVGD: "Class C0"). In summary, the available evidence is currently insufficient to determine the role of this variant in disease. Therefore, it has been classified as a Variant of Uncertain Significance.

Mayo Clinic Laboratories, Mayo Clinic
Classification: Uncertain significance. Last evaluated: 2022-10-11. Review status: criteria provided, single submitter. Criteria: ACMG Guidelines, 2015. Collection method: clinical testing. Allele origin: germline. Observed: 1 variant allele.

Knight Diagnostic Laboratories, Oregon Health and Sciences University
Classification: Uncertain significance for Hypotonia. Last evaluated: 2019-05-20. Review status: criteria provided, single submitter. Criteria: ACMG Guidelines, 2015. Collection method: clinical testing. Allele origin: germline. Observed: 1 variant allele.

Breakthrough Genomics
Classification: Uncertain significance. Review status: criteria provided, single submitter. Criteria: ACMG Guidelines, 2015. Collection method: not provided. Allele origin: germline. Inheritance: Autosomal recessive inheritance. Affected: yes.